The following is an entry in ClinVar:

ClinVar aggregate classification (germline): Pathogenic (1 of 4 stars; one submission).

Conditions:
BAP1-related tumor predisposition syndrome (TPDS1). Also called: COMMON Syndrome; Tumor susceptibility linked to germline BAP1 mutations; TUMOR PREDISPOSITION SYNDROME 1; BAP1 tumor predisposition syndrome. Identifiers: Orphanet 289539, MedGen C3280492, MONDO:0013692, OMIM 614327.

Submission:

Labcorp Genetics (formerly Invitae), Labcorp
Classification: Pathogenic for BAP1-related tumor predisposition syndrome. Last evaluated: 2019-11-23. Review status: criteria provided, single submitter. Criteria: Invitae Variant Classification Sherloc (09022015). Collection method: clinical testing. Allele origin: germline.
Comment: For these reasons, this variant has been classified as Pathogenic. Loss-of-function variants in BAP1 are known to be pathogenic (PMID: 21874000, 23684012). This variant is not present in population databases (ExAC no frequency). This sequence change creates a premature translational stop signal (p.Glu182*) in the BAP1 gene. It is expected to result in an absent or disrupted protein product. This variant has not been reported in the literature in individuals with BAP1-related disease. ClinVar contains an entry for this variant (Variation ID: 412399).

Literature cited by the submitters: PubMed 21874000; PubMed 23684012.

NM_004656.4(BAP1):c.544G>T (p.Glu182Ter)

Gene: BAP1 (BRCA1 associated deubiquitinase 1; minus strand). Cytogenetic location: 3p21.1.
Variant type: single nucleotide variant.
Coding change: c.544G>T on transcript NM_004656.4 (MANE Select); coding-DNA position 544, G replaced by T.
Protein change: p.Glu182Ter; replaces glutamic acid 182 with a stop codon.
Molecular consequence: nonsense.
Genome position (GRCh38, 1-based): chr3:52,407,210, C>A on the plus strand (G>T on the coding strand, the complement: BAP1 is on the minus strand). VCF-style: chr3-52407210-C-A. GRCh37 (hg19) VCF-style: chr3-52441226-C-A.
Other names: short protein forms E182*.
Identifiers: ClinVar variation 412399 (VCV000412399.11), dbSNP rs1060503726, ClinGen allele CA16611445.
Genomic context (GRCh38, chr3:52,407,210, plus strand): 5'-AGGCCTCCAGCTCATGGTGCCTACCATGGTCAATGGGGTAGACCTTCAGCCCATCCAGCT[C>A]AAAGAGCCGGCCTGTGATAGGCACATAGCTGACAAAGTGGAACGCCTCCATGGTCCGCAC-3'